The following is an entry in ClinVar:

NM_000535.7(PMS2):c.778T>A (p.Ser260Thr)

Gene: PMS2 (PMS1 homolog 2, mismatch repair system component; minus strand). Cytogenetic location: 7p22.1.
Variant type: single nucleotide variant.
Coding change: c.778T>A on transcript NM_000535.7 (MANE Select); coding-DNA position 778, T replaced by A.
Protein change: p.Ser260Thr; replaces serine 260 with threonine.
Molecular consequence: missense variant. On other transcripts: 5 prime UTR variant (2), non-coding transcript variant (1).
Genome position (GRCh38, 1-based): chr7:5,997,351, A>T on the plus strand (T>A on the coding strand, the complement: PMS2 is on the minus strand). VCF-style: chr7-5997351-A-T. GRCh37 (hg19) VCF-style: chr7-6036982-A-T.
Other names: c.373T>A, p.Ser125Thr (NM_001322003.2, NM_001322004.2, NM_001322005.2 and 2 more transcripts); c.778T>A, p.Ser260Thr (NM_001322006.2, NM_001322014.2); c.460T>A, p.Ser154Thr (NM_001322007.2, NM_001322008.2); c.-156T>A (NM_001322011.2, NM_001322012.2); c.205T>A, p.Ser69Thr (NM_001322013.2); c.469T>A, p.Ser157Thr (NM_001322015.2); c.778T>A (NM_000535.5); short protein forms S154T, S157T, S125T, S260T, S69T.
Identifiers: ClinVar variation 1483990 (VCV001483990.11), dbSNP rs1259974071, ClinGen allele CA366743650.

ClinVar aggregate classification (germline): Uncertain significance. Review status: criteria provided, multiple submitters, no conflicts (2 of 4 stars). 3 submissions from 3 submitters: Uncertain significance (3). Last evaluated 2024-05-31.

Conditions:
Hereditary cancer-predisposing syndrome. Also called: Hereditary neoplastic syndrome; Neoplastic Syndromes, Hereditary; Hereditary Cancer Syndrome; Tumor predisposition. Identifiers: Orphanet 140162, MedGen C0027672, MeSH D009386, MONDO:0015356.
Hereditary nonpolyposis colorectal neoplasms. Identifiers: MedGen C0009405, MeSH D003123.

Allele frequency attached by ClinVar (database versions not stated): gnomAD exomes below 0.00001; gnomAD 0.00001.
gnomAD v4.1: 3 of 1,595,574 alleles (0.00019%); highest among the groups gnomAD compares: Non-Finnish European, 0.00026%; no homozygotes.

Submissions (3):

Labcorp Genetics (formerly Invitae), Labcorp
Classification: Uncertain significance for Hereditary nonpolyposis colorectal neoplasms. Last evaluated: 2024-05-31. Review status: criteria provided, single submitter. Criteria: Invitae Variant Classification Sherloc (09022015). Collection method: clinical testing. Allele origin: germline.
Comment: This sequence change replaces serine, which is neutral and polar, with threonine, which is neutral and polar, at codon 260 of the PMS2 protein (p.Ser260Thr). This variant is not present in population databases (gnomAD no frequency). This variant has not been reported in the literature in individuals affected with PMS2-related conditions. ClinVar contains an entry for this variant (Variation ID: 1483990). Advanced modeling of protein sequence and biophysical properties (such as structural, functional, and spatial information, amino acid conservation, physicochemical variation, residue mobility, and thermodynamic stability) performed at Invitae indicates that this missense variant is not expected to disrupt PMS2 protein function with a negative predictive value of 80%. In summary, the available evidence is currently insufficient to determine the role of this variant in disease. Therefore, it has been classified as a Variant of Uncertain Significance.

Women's Health and Genetics/Laboratory Corporation of America, LabCorp
Classification: Uncertain significance. Last evaluated: 2023-10-08. Review status: criteria provided, single submitter. Criteria: LabCorp Variant Classification Summary - May 2015. Collection method: clinical testing. Allele origin: germline.

Ambry Genetics
Classification: Uncertain significance for Hereditary cancer-predisposing syndrome. Last evaluated: 2023-07-13. Review status: criteria provided, single submitter. Criteria: Ambry Variant Classification Scheme 2023. Collection method: clinical testing. Allele origin: germline.
Comment: The p.S260T variant (also known as c.778T>A), located in coding exon 7 of the PMS2 gene, results from a T to A substitution at nucleotide position 778. The serine at codon 260 is replaced by threonine, an amino acid with similar properties. This amino acid position is conserved. In addition, this alteration is predicted to be tolerated by in silico analysis. Since supporting evidence is limited at this time, the clinical significance of this alteration remains unclear.